The following is an entry in ClinVar:

ClinVar aggregate classification (germline): Likely benign. Review status: criteria provided, multiple submitters, no conflicts (2 of 4 stars). 2 submissions from 2 submitters: Likely benign (2). Last evaluated 2026-09-01.

gnomAD v4.1: 186 of 1,613,744 alleles (0.012%); highest among the groups gnomAD compares: Admixed American, 0.1%; no homozygotes.

Submissions (2):

CeGaT Center for Human Genetics Tuebingen
Classification: Likely benign. Last evaluated: 2026-09-01. Review status: criteria provided, single submitter. Criteria: CeGaT Center For Human Genetics Tuebingen Variant Classification Criteria Version 2. Collection method: clinical testing. Allele origin: germline. Affected: yes. Observed: 2 variant alleles.
Comment: SPEN: BP4, BP7, BS1

Blueprint Genetics
Classification: Likely benign. Last evaluated: 2024-08-21. Review status: criteria provided, single submitter. Criteria: ACMG Guidelines, 2015. Collection method: clinical testing. Allele origin: germline.

NM_015001.3(SPEN):c.5880C>T (p.Ala1960=)

Gene: SPEN (spen family transcriptional repressor; plus strand). Cytogenetic location: 1p36.13.
Variant type: single nucleotide variant.
Coding change: c.5880C>T on transcript NM_015001.3 (MANE Select); coding-DNA position 5880, C replaced by T.
Protein change: p.Ala1960=; no amino-acid change (alanine 1960 retained).
Molecular consequence: synonymous variant.
Genome position (GRCh38, 1-based): chr1:15,932,120, C>T. VCF-style: chr1-15932120-C-T. GRCh37 (hg19) VCF-style: chr1-16258615-C-T.
Identifiers: ClinVar variation 4872880 (VCV004872880.3).